The following is an entry in ClinVar:

ClinVar aggregate classification (germline): Uncertain significance (1 of 4 stars; one submission).

Allele frequency attached by ClinVar (database versions not stated): gnomAD exomes below 0.00001; ExAC 0.00001.
gnomAD v4.1: 2 of 1,600,080 alleles (0.00012%); highest among the groups gnomAD compares: East Asian, 0.0022%; no homozygotes.

Submission:

Labcorp Genetics (formerly Invitae), Labcorp
Classification: Uncertain significance. Last evaluated: 2021-06-28. Review status: criteria provided, single submitter. Criteria: Invitae Variant Classification Sherloc (09022015). Collection method: clinical testing. Allele origin: germline.
Comment: This sequence change replaces valine with leucine at codon 560 of the GUCY2C protein (p.Val560Leu). The valine residue is highly conserved and there is a small physicochemical difference between valine and leucine. This variant is present in population databases (rs769518113, ExAC 0.001%). This variant has not been reported in the literature in individuals affected with GUCY2C-related conditions. Algorithms developed to predict the effect of missense changes on protein structure and function (SIFT, PolyPhen-2, Align-GVGD) all suggest that this variant is likely to be disruptive. In summary, the available evidence is currently insufficient to determine the role of this variant in disease. Therefore, it has been classified as a Variant of Uncertain Significance.

NM_004963.4(GUCY2C):c.1678G>T (p.Val560Leu)

Gene: GUCY2C (guanylate cyclase 2C; minus strand). Cytogenetic location: 12p12.3.
Variant type: single nucleotide variant.
Coding change: c.1678G>T on transcript NM_004963.4 (MANE Select); coding-DNA position 1678, G replaced by T.
Protein change: p.Val560Leu; replaces valine 560 with leucine.
Molecular consequence: missense variant.
Genome position (GRCh38, 1-based): chr12:14,651,439, C>A on the plus strand (G>T on the coding strand, the complement: GUCY2C is on the minus strand). VCF-style: chr12-14651439-C-A. GRCh37 (hg19) VCF-style: chr12-14804373-C-A.
Other names: short protein forms V560L.
Identifiers: ClinVar variation 1377620 (VCV001377620.8), dbSNP rs769518113, ClinGen allele CA6463322.